The following is an entry in ClinVar:

NM_000337.6(SGCD):c.421G>T (p.Val141Leu)

Gene: SGCD (sarcoglycan delta; plus strand). Cytogenetic location: 5q33.3.
Variant type: single nucleotide variant.
Coding change: c.421G>T on transcript NM_000337.6 (MANE Select); coding-DNA position 421, G replaced by T.
Protein change: p.Val141Leu; replaces valine 141 with leucine.
Molecular consequence: missense variant.
Genome position (GRCh38, 1-based): chr5:156,594,970, G>T. VCF-style: chr5-156594970-G-T. GRCh37 (hg19) VCF-style: chr5-156021980-G-T.
Other names: c.418G>T, p.Val140Leu (NM_001128209.2); c.421G>T, p.Val141Leu (NM_172244.3); short protein forms V141L, V140L.
Identifiers: ClinVar variation 959625 (VCV000959625.8), dbSNP rs1382070084, ClinGen allele CA362010422.
Genomic context (GRCh38, chr5:156,594,970, plus strand): 5'-TCTATCTCTCTATATCTCTCAGGTCCAAAAGCCGTAGAAGCTTATGGTAAAAAATTTGAG[G>T]TAAAAACTGTTTCTGGAAAATTGCTCTTCTCTGCAGACAATAATGAAGTGGTAGTAGGAG-3'
Protein context (NP_000328.2, residues 131-151): AVEAYGKKFE[Val141Leu]KTVSGKLLFS

ClinVar aggregate classification (germline): Uncertain significance. Review status: criteria provided, multiple submitters, no conflicts (2 of 4 stars). 2 submissions from 2 submitters: Uncertain significance (2). Last evaluated 2023-02-15.

Conditions:
Autosomal recessive limb-girdle muscular dystrophy type 2F (LGMDR6). Also called: MUSCULAR DYSTROPHY, LIMB-GIRDLE, AUTOSOMAL RECESSIVE 6; Muscular dystrophy limb-girdle with delta-sarcoglyan deficiency. Identifiers: Orphanet 219, MedGen C1832525, MONDO:0011028, OMIM 601287. Disease mechanism: Affects gamma-sarcoglycan and also disrupts the integrity of the entire sarcoglycan complex..
Inborn genetic diseases. Identifiers: MedGen C0950123, MeSH D030342.

Allele frequency attached by ClinVar (database versions not stated): TOPMed below 0.00001; gnomAD exomes 0.00001.
gnomAD v4.1: 7 of 1,612,032 alleles (0.00043%); highest among the groups gnomAD compares: Non-Finnish European, 0.00059%; no homozygotes.

Submissions (2):

Ambry Genetics
Classification: Uncertain significance for Inborn genetic diseases. Last evaluated: 2023-02-15. Review status: criteria provided, single submitter. Criteria: Ambry Variant Classification Scheme 2023. Collection method: clinical testing. Allele origin: germline.

Labcorp Genetics (formerly Invitae), Labcorp
Classification: Uncertain significance for Autosomal recessive limb-girdle muscular dystrophy type 2F. Last evaluated: 2022-08-09. Review status: criteria provided, single submitter. Criteria: Invitae Variant Classification Sherloc (09022015). Collection method: clinical testing. Allele origin: germline.
Comment: This sequence change replaces valine, which is neutral and non-polar, with leucine, which is neutral and non-polar, at codon 141 of the SGCD protein (p.Val141Leu). This variant is present in population databases (no rsID available, gnomAD 0.002%). This variant has not been reported in the literature in individuals affected with SGCD-related conditions. ClinVar contains an entry for this variant (Variation ID: 959625). Algorithms developed to predict the effect of missense changes on protein structure and function (SIFT, PolyPhen-2, Align-GVGD) all suggest that this variant is likely to be tolerated. In summary, the available evidence is currently insufficient to determine the role of this variant in disease. Therefore, it has been classified as a Variant of Uncertain Significance.